The following is an entry in ClinVar:

ClinVar aggregate classification (germline): Uncertain significance (1 of 4 stars; one submission).

Submission:

CeGaT Center for Human Genetics Tuebingen
Classification: Uncertain significance. Last evaluated: 2025-10-01. Review status: criteria provided, single submitter. Criteria: CeGaT Center For Human Genetics Tuebingen Variant Classification Criteria Version 2. Collection method: clinical testing. Allele origin: germline. Affected: yes. Observed: 1 variant allele.
Comment: DPYSL2: PM2, PP2, PP3

NM_001197293.3(DPYSL2):c.1658G>A (p.Ser553Asn)

Gene: DPYSL2 (dihydropyrimidinase like 2; plus strand). Cytogenetic location: 8p21.2.
Variant type: single nucleotide variant.
Coding change: c.1658G>A on transcript NM_001197293.3 (MANE Select); coding-DNA position 1658, G replaced by A.
Protein change: p.Ser553Asn; replaces serine 553 with asparagine.
Molecular consequence: missense variant.
Genome position (GRCh38, 1-based): chr8:26,652,318, G>A. VCF-style: chr8-26652318-G-A. GRCh37 (hg19) VCF-style: chr8-26509834-G-A.
Other names: c.1235G>A, p.Ser412Asn (NM_001244604.2); c.1343G>A, p.Ser448Asn (NM_001386.6); short protein forms S412N, S448N, S553N.
Identifiers: ClinVar variation 4533877 (VCV004533877.6).